The following is an entry in ClinVar:

NM_144997.7(FLCN):c.1277T>A (p.Ile426Asn)

Gene: FLCN (folliculin; minus strand). Cytogenetic location: 17p11.2.
Variant type: single nucleotide variant.
Coding change: c.1277T>A on transcript NM_144997.7 (MANE Select); coding-DNA position 1277, T replaced by A.
Protein change: p.Ile426Asn; replaces isoleucine 426 with asparagine.
Molecular consequence: missense variant.
Genome position (GRCh38, 1-based): chr17:17,216,403, A>T on the plus strand (T>A on the coding strand, the complement: FLCN is on the minus strand). VCF-style: chr17-17216403-A-T. GRCh37 (hg19) VCF-style: chr17-17119717-A-T.
Other names: c.1331T>A, p.Ile444Asn (NM_001353229.2); c.1277T>A, p.Ile426Asn (NM_001353230.2, NM_001353231.2); short protein forms I426N, I444N.
Identifiers: ClinVar variation 4257942 (VCV004257942.1).
Genomic context (GRCh38, chr17:17,216,403, plus strand): 5'-CGCAGGGCATGGCCCCACAGCCCGCGGGGGCACGCACCTGAGGAGAGCACGTGGGGGGGG[A>T]TCTGCACGTGCGGGCTGAGCCCCAGGAAGTTGCACCGATAGGCCTCCTCGTACTGGCTGC-3'
Protein context (NP_659434.2, residues 416-436): NFLGLSPHVQ[Ile426Asn]PPHVLSSEFA

ClinVar aggregate classification (germline): Uncertain significance (1 of 4 stars; one submission).

Conditions:
Hereditary cancer-predisposing syndrome. Also called: Hereditary Cancer Syndrome; Hereditary neoplastic syndrome; Neoplastic Syndromes, Hereditary; Tumor predisposition. Identifiers: Orphanet 140162, MedGen C0027672, MeSH D009386, MONDO:0015356.

Submission:

Ambry Genetics
Classification: Uncertain significance for Hereditary cancer-predisposing syndrome. Last evaluated: 2025-08-19. Review status: criteria provided, single submitter. Criteria: Ambry Variant Classification Scheme 2023. Collection method: clinical testing. Allele origin: germline.
Comment: The p.I426N variant (also known as c.1277T>A), located in coding exon 8 of the FLCN gene, results from a T to A substitution at nucleotide position 1277. The isoleucine at codon 426 is replaced by asparagine, an amino acid with dissimilar properties. This amino acid position is conserved. In addition, this alteration is predicted to be deleterious by in silico analysis. Based on the available evidence, the clinical significance of this variant remains unclear.